The following is an entry in ClinVar:

NM_004655.4(AXIN2):c.1211G>T (p.Arg404Ile)

Gene: AXIN2 (axin 2; minus strand). Cytogenetic location: 17q24.1.
Variant type: single nucleotide variant.
Coding change: c.1211G>T on transcript NM_004655.4 (MANE Select); coding-DNA position 1211, G replaced by T.
Protein change: p.Arg404Ile; replaces arginine 404 with isoleucine.
Molecular consequence: missense variant.
Genome position (GRCh38, 1-based): chr17:65,537,825, C>A on the plus strand (G>T on the coding strand, the complement: AXIN2 is on the minus strand). VCF-style: chr17-65537825-C-A. GRCh37 (hg19) VCF-style: chr17-63533943-C-A.
Other names: c.1211G>T, p.Arg404Ile (NM_001363813.1); short protein forms R404I.
Identifiers: ClinVar variation 4741976 (VCV004741976.1).

ClinVar aggregate classification (germline): Uncertain significance (1 of 4 stars; one submission).

Conditions:
Oligodontia-cancer predisposition syndrome. Also called: TOOTH AGENESIS-COLORECTAL CANCER SYNDROME. Identifiers: Orphanet 300576, MedGen C1837750, MONDO:0012075, OMIM 608615. Disease mechanism: loss of function.

gnomAD v4.1: 4 of 1,562,346 alleles (0.00026%); highest among the groups gnomAD compares: Non-Finnish European, 0.00035%; no homozygotes.

Submission:

Labcorp Genetics (formerly Invitae), Labcorp
Classification: Uncertain significance for Oligodontia-cancer predisposition syndrome. Last evaluated: 2025-06-16. Review status: criteria provided, single submitter. Criteria: Invitae Variant Classification Sherloc (09022015). Collection method: clinical testing. Allele origin: germline.
Comment: This sequence change replaces arginine, which is basic and polar, with isoleucine, which is neutral and non-polar, at codon 404 of the AXIN2 protein (p.Arg404Ile). This variant is not present in population databases (gnomAD no frequency). This variant has not been reported in the literature in individuals affected with AXIN2-related conditions. Invitae Evidence Modeling of protein sequence and biophysical properties (such as structural, functional, and spatial information, amino acid conservation, physicochemical variation, residue mobility, and thermodynamic stability) indicates that this missense variant is not expected to disrupt AXIN2 protein function with a negative predictive value of 80%. In summary, the available evidence is currently insufficient to determine the role of this variant in disease. Therefore, it has been classified as a Variant of Uncertain Significance.